The following is an entry in ClinVar:

ClinVar aggregate classification (germline): Pathogenic (1 of 4 stars; one submission).

Submission:

CeGaT Center for Human Genetics Tuebingen
Classification: Pathogenic. Last evaluated: 2023-06-01. Review status: criteria provided, single submitter. Criteria: CeGaT Center For Human Genetics Tuebingen Variant Classification Criteria Version 2. Collection method: clinical testing. Allele origin: germline. Affected: yes. Observed: 1 variant allele.
Comment: POGZ: PS2, PVS1:Strong, PM2

NM_015100.4(POGZ):c.3046dup (p.Glu1016fs)

Gene: POGZ (pogo transposable element derived with ZNF domain; minus strand). Cytogenetic location: 1q21.3.
Variant type: Duplication.
Coding change: c.3046dup on transcript NM_015100.4 (MANE Select); coding-DNA position 3046, one base duplicated (G; older notation c.3046dupG).
Protein change: p.Glu1016fs; shifts the reading frame from glutamic acid 1016.
Molecular consequence: frameshift variant.
Genome position (GRCh38, 1-based): chr1:151,405,989, C duplicated on the plus strand (G on the coding strand, the reverse complement: POGZ is on the minus strand); the first of 5 consecutive C bases (chr1:151,405,989-151,405,993); duplicating any one gives the same sequence. VCF-style (leftmost placement, unchanged base first): chr1-151405988-T-TC. GRCh37 (hg19) VCF-style: chr1-151378464-T-TC.
Other names: c.3019dup, p.Glu1007fs (NM_001194937.2); c.2860dup, p.Glu954fs (NM_001194938.2); c.3067dup, p.Glu1023fs (NM_001410860.1); c.2761dup, p.Glu921fs (NM_145796.4); c.2887dup, p.Glu963fs (NM_207171.2); short protein forms E1007fs, E1016fs, E1023fs, E921fs, E954fs, E963fs.
Identifiers: ClinVar variation 2570732 (VCV002570732.27), dbSNP rs2529206328, ClinGen allele CA2580612559.